The following is an entry in ClinVar:

ClinVar aggregate classification (germline): Uncertain significance. Review status: criteria provided, multiple submitters, no conflicts (2 of 4 stars). 2 submissions from 2 submitters: Uncertain significance (2). Last evaluated 2026-08-20.

Conditions:
Hereditary cancer-predisposing syndrome. Also called: Tumor predisposition; Hereditary Cancer Syndrome; Neoplastic Syndromes, Hereditary; Hereditary neoplastic syndrome. Identifiers: Orphanet 140162, MedGen C0027672, MeSH D009386, MONDO:0015356.

Submissions (2):

Ambry Genetics
Classification: Uncertain significance for Hereditary cancer-predisposing syndrome. Last evaluated: 2026-08-20. Review status: criteria provided, single submitter. Criteria: Ambry Variant Classification Scheme 2023. Collection method: clinical testing. Allele origin: germline.
Comment: The p.D857H variant (also known as c.2569G>C), located in coding exon 4 of the MSH6 gene, results from a G to C substitution at nucleotide position 2569. The aspartic acid at codon 857 is replaced by histidine, an amino acid with similar properties. This amino acid position is highly conserved in available vertebrate species. In addition, this alteration is predicted to be deleterious by in silico analysis. Based on the available evidence, the clinical significance of this variant remains unclear.

Color Diagnostics, LLC DBA Color Health
Classification: Uncertain significance for Hereditary cancer-predisposing syndrome. Last evaluated: 2019-06-04. Review status: criteria provided, single submitter. Criteria: ACMG Guidelines, 2015. Collection method: clinical testing. Allele origin: germline.

NM_000179.3(MSH6):c.2569G>C (p.Asp857His)

Gene: MSH6 (mutS homolog 6; plus strand). Cytogenetic location: 2p16.3.
Variant type: single nucleotide variant.
Coding change: c.2569G>C on transcript NM_000179.3 (MANE Select); coding-DNA position 2569, G replaced by C.
Protein change: p.Asp857His; replaces aspartic acid 857 with histidine.
Molecular consequence: missense variant.
Genome position (GRCh38, 1-based): chr2:47,800,552, G>C. VCF-style: chr2-47800552-G-C. GRCh37 (hg19) VCF-style: chr2-48027691-G-C.
Other names: c.2179G>C, p.Asp727His (NM_001281492.2); c.1663G>C, p.Asp555His (NM_001281493.2, NM_001281494.2); short protein forms D727H, D555H, D857H.
Identifiers: ClinVar variation 821500 (VCV000821500.7), dbSNP rs368437140, ClinGen allele CA346754718.